The following is an entry in ClinVar:

NM_001382391.1(CSPP1):c.572G>A (p.Gly191Asp)

Gene: CSPP1 (centrosome and spindle pole associated protein 1; plus strand). Cytogenetic location: 8q13.1.
Variant type: single nucleotide variant.
Coding change: c.572G>A on transcript NM_001382391.1 (MANE Select); coding-DNA position 572, G replaced by A.
Protein change: p.Gly191Asp; replaces glycine 191 with aspartic acid.
Molecular consequence: missense variant. On other transcripts: 5 prime UTR variant (1).
Genome position (GRCh38, 1-based): chr8:67,095,381, G>A. VCF-style: chr8-67095381-G-A. GRCh37 (hg19) VCF-style: chr8-68007616-G-A.
Other names: c.-284G>A (NM_001291339.2); c.491G>A, p.Gly164Asp (NM_001363131.2, NM_001363133.2); c.572G>A, p.Gly191Asp (NM_001363132.2); c.680G>A, p.Gly227Asp (NM_001364869.1); c.599G>A, p.Gly200Asp (NM_001364870.1, NM_024790.7); short protein forms G200D, G227D, G164D, G191D.
Identifiers: ClinVar variation 1348967 (VCV001348967.6), dbSNP rs2129545466, ClinGen allele CA371190397.

ClinVar aggregate classification (germline): Uncertain significance (1 of 4 stars; one submission).

Conditions:
Joubert syndrome 21 (JBTS21). Identifiers: MedGen C3810212, MONDO:0014288, OMIM 615636.

Submission:

Labcorp Genetics (formerly Invitae), Labcorp
Classification: Uncertain significance for Joubert syndrome 21. Last evaluated: 2024-12-16. Review status: criteria provided, single submitter. Criteria: Invitae Variant Classification Sherloc (09022015). Collection method: clinical testing. Allele origin: germline.
Comment: This sequence change replaces glycine, which is neutral and non-polar, with aspartic acid, which is acidic and polar, at codon 200 of the CSPP1 protein (p.Gly200Asp). This variant is not present in population databases (gnomAD no frequency). This variant has not been reported in the literature in individuals affected with CSPP1-related conditions. ClinVar contains an entry for this variant (Variation ID: 1348967). An algorithm developed to predict the effect of missense changes on protein structure and function outputs the following: PolyPhen-2: "Benign". The aspartic acid amino acid residue is found in multiple mammalian species, which suggests that this missense change does not adversely affect protein function. In summary, the available evidence is currently insufficient to determine the role of this variant in disease. Therefore, it has been classified as a Variant of Uncertain Significance.